The following is an entry in ClinVar:

NM_022132.5(MCCC2):c.1208A>G (p.Asn403Ser)

Gene: MCCC2 (methylcrotonyl-CoA carboxylase subunit 2; plus strand). Cytogenetic location: 5q13.2.
Variant type: single nucleotide variant.
Coding change: c.1208A>G on transcript NM_022132.5 (MANE Select); coding-DNA position 1208, A replaced by G.
Protein change: p.Asn403Ser; replaces asparagine 403 with serine.
Molecular consequence: missense variant.
Genome position (GRCh38, 1-based): chr5:71,646,269, A>G. VCF-style: chr5-71646269-A-G. GRCh37 (hg19) VCF-style: chr5-70942096-A-G.
Other names: c.1094A>G, p.Asn365Ser (NM_001363147.1); c.1208A>G (NM_022132.4); short protein forms N403S, N365S.
Identifiers: ClinVar variation 1483421 (VCV001483421.15), dbSNP rs142887940, ClinGen allele CA3298063.

ClinVar aggregate classification (germline): Pathogenic/Likely pathogenic. Review status: criteria provided, multiple submitters, no conflicts (2 of 4 stars). 5 submissions from 5 submitters: Pathogenic (1); Likely pathogenic (4). Last evaluated 2026-03-01.

Conditions:
Methylcrotonyl-CoA carboxylase deficiency. Also called: Deficiency of methylcrotonoyl-CoA carboxylase; 3 Methylcrotonylglycinuria; 3-MCC Deficiency. Identifiers: Orphanet 6, MedGen C4551505, MONDO:0018950.
3-methylcrotonyl-CoA carboxylase 2 deficiency. Also called: METHYLCROTONYLGLYCINURIA, TYPE II; 3 alpha methylcrotonyl-CoA carboxylase 2 deficiency; 3 alpha methylcrotonylglycinuria 2; MCC 2 deficiency; Methylcrotonylglycinuria type 2. Identifiers: Orphanet 6, MedGen C1859499, MONDO:0008862, OMIM 210210.

Allele frequency attached by ClinVar (database versions not stated): ExAC 0.00010; TOPMed 0.00013; gnomAD 0.00016; ESP Exome Variant Server 0.00038.
gnomAD v4.1: 334 of 1,613,524 alleles (0.021%); highest among the groups gnomAD compares: Non-Finnish European, 0.026%; no homozygotes.

Submissions (6):

CeGaT Center for Human Genetics Tuebingen
Classification: Likely pathogenic. Last evaluated: 2026-03-01. Review status: criteria provided, single submitter. Criteria: CeGaT Center For Human Genetics Tuebingen Variant Classification Criteria Version 2. Collection method: clinical testing. Allele origin: germline. Affected: yes. Observed: 3 variant alleles.
Comment: MCCC2: PM2, PM5, PM3:Supporting, PP3

Labcorp Genetics (formerly Invitae), Labcorp
Classification: Pathogenic for 3-methylcrotonyl-CoA carboxylase 2 deficiency. Last evaluated: 2026-01-14. Review status: criteria provided, single submitter. Criteria: Invitae Variant Classification Sherloc (09022015). Collection method: clinical testing. Allele origin: germline.
Comment: This sequence change replaces asparagine, which is neutral and polar, with serine, which is neutral and polar, at codon 403 of the MCCC2 protein (p.Asn403Ser). This variant is present in population databases (rs142887940, gnomAD 0.02%). This missense change has been observed in individual(s) with 3-methylcrotonyl-CoA carboxylase deficiency (internal data). In at least one individual the data is consistent with being in trans (on the opposite chromosome) from a pathogenic variant. ClinVar contains an entry for this variant (Variation ID: 1483421). Invitae Evidence Modeling of protein sequence and biophysical properties (such as structural, functional, and spatial information, amino acid conservation, physicochemical variation, residue mobility, and thermodynamic stability) indicates that this missense variant is expected to disrupt MCCC2 protein function with a positive predictive value of 80%. This variant disrupts the p.Asn403 amino acid residue in MCCC2. Other variant(s) that disrupt this residue have been determined to be pathogenic (PMID: 16835865). This suggests that this residue is clinically significant, and that variants that disrupt this residue are likely to be disease-causing. For these reasons, this variant has been classified as Pathogenic.

Women's Health and Genetics/Laboratory Corporation of America, LabCorp
Classification: Likely pathogenic for Methylcrotonyl-CoA carboxylase deficiency. Last evaluated: 2025-05-13. Review status: criteria provided, single submitter. Criteria: LabCorp Variant Classification Summary - May 2015. Collection method: clinical testing. Allele origin: germline.
Comment: Variant summary: MCCC2 c.1208A>G (p.Asn403Ser) results in a conservative amino acid change in the encoded protein sequence. Algorithms developed to predict the effect of missense changes on protein structure and function are either unavailable or do not agree on the potential impact of this missense change. The variant allele was found at a frequency of 0.00011 in 251234 control chromosomes. This frequency is not significantly higher than estimated for a pathogenic variant in MCCC2 causing Methylcrotonyl-CoA Carboxylase Deficiency (0.00011 vs 0.0042), allowing no conclusion about variant significance. c.1208A>G has been observed in individual(s) affected with Methylcrotonyl-CoA Carboxylase Deficiency (Calvo_2011, internal_testing). These data do not allow any conclusion about variant significance. A different variant affecting this codon (p.Asn403Thr) has been reported in patients affected with 3-methylcrotonyl-CoA carboxylase deficiency. To our knowledge, no experimental evidence demonstrating an impact on protein function has been reported. The following publications have been ascertained in the context of this evaluation (PMID: 20818383).ClinVar contains an entry for this variant (Variation ID: 1483421). Based on the evidence outlined above, the variant was classified as likely pathogenic.

GeneDx
Classification: Likely pathogenic. Last evaluated: 2025-01-06. Review status: criteria provided, single submitter. Criteria: GeneDx Variant Classification Process June 2021. Collection method: clinical testing. Allele origin: germline. Affected: yes.
Comment: Observed in the heterozygous state in one individual from a cohort of patients with mitochondrial complex I deficiency (PMID: 20818383); In silico analysis supports that this missense variant has a deleterious effect on protein structure/function; This variant is associated with the following publications: (PMID: 25087612, 20818383, 16835865)

Fulgent Genetics
Classification: Likely pathogenic for 3-methylcrotonyl-CoA carboxylase 2 deficiency. Last evaluated: 2024-05-07. Review status: criteria provided, single submitter. Criteria: ACMG Guidelines, 2015. Collection method: clinical testing. Allele origin: germline.

Dr. Peter K. Rogan Lab, Western University
No classification provided (evidence only). Condition: Nonpapillary renal cell carcinoma. Review status: no classification provided. Collection method: in vitro. Allele origin: not applicable. Functional consequence: skipped exon, retained intron. Not counted in ClinVar's aggregate classification.

Literature cited by the submitters: PubMed 16835865 (cited by Labcorp Genetics (formerly Invitae), Labcorp); PubMed 20818383 (cited by Women's Health and Genetics/Laboratory Corporation of America, LabCorp).